The following is an entry in ClinVar:

ClinVar aggregate classification (germline): Uncertain significance. Review status: criteria provided, multiple submitters, no conflicts (2 of 4 stars). 2 submissions from 2 submitters: Uncertain significance (2). Last evaluated 2026-01-07.

Conditions:
Early-infantile DEE. Also called: Early infantile epileptic encephalopathy; Ohtahara syndrome; Early infantile epileptic encephalopathy with suppression bursts. Identifiers: Orphanet 1934, MedGen C0393706, MONDO:0800491.

Allele frequency attached by ClinVar (database versions not stated): gnomAD exomes below 0.00001; TOPMed 0.00001.
gnomAD v4.1: 3 of 1,610,324 alleles (0.00019%); highest among the groups gnomAD compares: African/African-American, 0.0013%; no homozygotes.

Submissions (2):

Labcorp Genetics (formerly Invitae), Labcorp
Classification: Uncertain significance for Early-infantile DEE. Last evaluated: 2026-01-07. Review status: criteria provided, single submitter. Criteria: Invitae Variant Classification Sherloc (09022015). Collection method: clinical testing. Allele origin: germline.
Comment: This sequence change replaces leucine, which is neutral and non-polar, with arginine, which is basic and polar, at codon 690 of the KCNH5 protein (p.Leu690Arg). This variant is not present in population databases (gnomAD no frequency). This variant has not been reported in the literature in individuals affected with KCNH5-related conditions. ClinVar contains an entry for this variant (Variation ID: 1163361). Invitae Evidence Modeling of protein sequence and biophysical properties (such as structural, functional, and spatial information, amino acid conservation, physicochemical variation, residue mobility, and thermodynamic stability) indicates that this missense variant is not expected to disrupt KCNH5 protein function with a negative predictive value of 95%. In summary, the available evidence is currently insufficient to determine the role of this variant in disease. Therefore, it has been classified as a Variant of Uncertain Significance.

Mayo Clinic Laboratories, Mayo Clinic
Classification: Uncertain significance. Last evaluated: 2019-05-20. Review status: criteria provided, single submitter. Criteria: ACMG Guidelines, 2015. Collection method: clinical testing. Allele origin: germline. Observed: 1 variant allele.

NM_139318.5(KCNH5):c.2069T>G (p.Leu690Arg)

Gene: KCNH5 (potassium voltage-gated channel subfamily H member 5; minus strand). Cytogenetic location: 14q23.2.
Variant type: single nucleotide variant.
Coding change: c.2069T>G on transcript NM_139318.5 (MANE Select); coding-DNA position 2069, T replaced by G.
Protein change: p.Leu690Arg; replaces leucine 690 with arginine.
Molecular consequence: missense variant. On other transcripts: 3 prime UTR variant (1).
Genome position (GRCh38, 1-based): chr14:62,708,406, A>C on the plus strand (T>G on the coding strand, the complement: KCNH5 is on the minus strand). VCF-style: chr14-62708406-A-C. GRCh37 (hg19) VCF-style: chr14-63175124-A-C.
Other names: c.*36T>G (NM_172375.3); short protein forms L690R.
Identifiers: ClinVar variation 1163361 (VCV001163361.13), dbSNP rs1884490758, ClinGen allele CA390101410.